The following is an entry in ClinVar:

NM_006947.4(SRP72):c.1472A>G (p.Tyr491Cys)

Gene: SRP72 (signal recognition particle 72; plus strand). Cytogenetic location: 4q12.
Variant type: single nucleotide variant.
Coding change: c.1472A>G on transcript NM_006947.4 (MANE Select); coding-DNA position 1472, A replaced by G.
Protein change: p.Tyr491Cys; replaces tyrosine 491 with cysteine.
Molecular consequence: missense variant. On other transcripts: non-coding transcript variant (1).
Genome position (GRCh38, 1-based): chr4:56,490,615, A>G. VCF-style: chr4-56490615-A-G. GRCh37 (hg19) VCF-style: chr4-57356781-A-G.
Other names: c.1289A>G, p.Tyr430Cys (NM_001267722.2); short protein forms Y430C, Y491C.
Identifiers: ClinVar variation 3962112 (VCV003962112.1).

ClinVar aggregate classification (germline): Uncertain significance (1 of 4 stars; one submission).

Submission:

Ambry Genetics
Classification: Uncertain significance. Last evaluated: 2025-05-19. Review status: criteria provided, single submitter. Criteria: Ambry Variant Classification Scheme 2023. Collection method: clinical testing. Allele origin: germline.
Comment: The p.Y491C variant (also known as c.1472A>G), located in coding exon 15 of the SRP72 gene, results from an A to G substitution at nucleotide position 1472. The tyrosine at codon 491 is replaced by cysteine, an amino acid with highly dissimilar properties. This amino acid position is conserved. In addition, this alteration is predicted to be deleterious by in silico analysis. Based on the available evidence, the clinical significance of this variant remains unclear.